The following is an entry in ClinVar:

ClinVar aggregate classification (germline): Pathogenic (1 of 4 stars; one submission).

Conditions:
Type 2 collagenopathy. Identifiers: Orphanet 93421, MedGen C2931073, MONDO:0022800.

Submission:

Victorian Clinical Genetics Services, Murdoch Childrens Research Institute
Classification: Pathogenic for Type 2 collagenopathy. Last evaluated: 2025-02-04. Review status: criteria provided, single submitter. Criteria: ACMG Guidelines, 2015. Collection method: clinical testing. Allele origin: germline. Affected: yes.
Comment: This variant is classified as Pathogenic. Evidence in support of pathogenic classification: Variant is predicted to cause nonsense-mediated decay (NMD) and loss of protein (premature termination codon is located at least 54 nucleotides upstream of the final exon-exon junction); Variant is absent from gnomAD (v2, v3 and v4); Other NMD-predicted variant(s) comparable to the one identified in this case have very strong previous evidence for pathogenicity (DECIPHER, ClinVar); Additional information: This variant is heterozygous; This gene is associated with autosomal dominant disease; This variant has no previous evidence of pathogenicity; Dominant negative and loss of function are known mechanisms of disease in this gene and are associated with COL2A1-related disorders. Loss of function variants have been reported to cause Stickler syndrome, whereas missense variants with a dominant negative effect on protein function result in spondyloepiphyseal or spondyloepimetaphyseal dysplasia (OMIM, PMID: 35052477, PMID: 15895462); Variants in this gene are known to have variable expressivity (PMID: 20301479).

Literature cited by the submitters: PubMed 15895462; PubMed 20301479; PubMed 35052477.

NM_001844.5(COL2A1):c.2407A>T (p.Lys803Ter)

Gene: COL2A1 (collagen type II alpha 1 chain; minus strand). Cytogenetic location: 12q13.11.
Variant type: single nucleotide variant.
Coding change: c.2407A>T on transcript NM_001844.5 (MANE Select); coding-DNA position 2407, A replaced by T.
Protein change: p.Lys803Ter; replaces lysine 803 with a stop codon.
Molecular consequence: nonsense.
Genome position (GRCh38, 1-based): chr12:47,981,778, T>A on the plus strand (A>T on the coding strand, the complement: COL2A1 is on the minus strand). VCF-style: chr12-47981778-T-A. GRCh37 (hg19) VCF-style: chr12-48375561-T-A.
Other names: c.2200A>T, p.Lys734Ter (NM_033150.3); short protein forms K734*, K803*.
Identifiers: ClinVar variation 4531413 (VCV004531413.1).